The following is an entry in ClinVar:

ClinVar aggregate classification (germline): Likely pathogenic. Review status: criteria provided, single submitter (1 of 4 stars). 2 submissions from 2 submitters: Likely pathogenic (1). 1 of the submissions does not count toward it. Last evaluated 2022-06-01.

Conditions:
SERAC1-related disorder. Also called: SERAC1-related condition; SERAC1-related disorders.

Allele frequency attached by ClinVar (database versions not stated): gnomAD 0.00001; gnomAD exomes 0.00001.
gnomAD v4.1: 6 of 1,613,904 alleles (0.00037%); highest among the groups gnomAD compares: African/African-American, 0.0013%; no homozygotes.

Submissions (2):

CeGaT Center for Human Genetics Tuebingen
Classification: Likely pathogenic. Last evaluated: 2022-06-01. Review status: criteria provided, single submitter. Criteria: CeGaT Center For Human Genetics Tuebingen Variant Classification Criteria Version 2. Collection method: clinical testing. Allele origin: germline. Affected: yes. Observed: 1 variant allele.
Comment: SERAC1: PM2, PM3, PP4:Moderate, PP3

PreventionGenetics, part of Exact Sciences
Classification: Uncertain significance for SERAC1-related condition. Last evaluated: 2024-03-29. Review status: no assertion criteria provided. Collection method: clinical testing. Allele origin: germline. Not counted in ClinVar's aggregate classification.
Comment: The SERAC1 c.1667T>A variant is predicted to result in the amino acid substitution p.Val556Asp. This variant was reported in a homozygous individual within a cohort being tested for SERAC1-related disease (Patient 67, Supplementary Table 1, Maas et al 2017. PubMed ID: 29205472). This variant has not been reported in a large population database, indicating this variant is rare. At this time, the clinical significance of this variant is uncertain due to the absence of conclusive functional and genetic evidence.

NM_032861.4(SERAC1):c.1667T>A (p.Val556Asp)

Gene: SERAC1 (serine active site containing 1; minus strand). Cytogenetic location: 6q25.3.
Variant type: single nucleotide variant.
Coding change: c.1667T>A on transcript NM_032861.4 (MANE Select); coding-DNA position 1667, T replaced by A.
Protein change: p.Val556Asp; replaces valine 556 with aspartic acid.
Molecular consequence: missense variant. On other transcripts: non-coding transcript variant (1).
Genome position (GRCh38, 1-based): chr6:158,114,806, A>T on the plus strand (T>A on the coding strand, the complement: SERAC1 is on the minus strand). VCF-style: chr6-158114806-A-T. GRCh37 (hg19) VCF-style: chr6-158535838-A-T.
Other names: c.1667T>A (NM_032861.3); short protein forms V556D.
Identifiers: ClinVar variation 1711649 (VCV001711649.30), dbSNP rs1245168537, ClinGen allele CA366254917.